The following is an entry in ClinVar:

ClinVar aggregate classification (germline): Uncertain significance (1 of 4 stars; one submission).

Conditions:
SLC7A3-related disorder. Also called: SLC7A3-related condition.

Allele frequency attached by ClinVar (database versions not stated): TOPMed 0.00003; gnomAD 0.00005.
gnomAD v4.1: 48 of 1,198,142 alleles (0.004%); highest among the groups gnomAD compares: Non-Finnish European, 0.0053%; no homozygotes.

Submission:

PreventionGenetics, part of Exact Sciences
Classification: Uncertain significance for SLC7A3-related condition. Last evaluated: 2022-11-15. Review status: criteria provided, single submitter. Criteria: ACMG Guidelines, 2015. Collection method: clinical testing. Allele origin: germline.
Comment: The SLC7A3 c.1571T>C variant is predicted to result in the amino acid substitution p.Ile524Thr. To our knowledge, this variant has not been reported in the literature. This variant is reported in 0.0050% of alleles in individuals of European (Non-Finnish) descent in gnomAD. At this time, the clinical significance of this variant is uncertain due to the absence of conclusive functional and genetic evidence.

NM_032803.6(SLC7A3):c.1571T>C (p.Ile524Thr)

Gene: SLC7A3 (solute carrier family 7 member 3; minus strand). Cytogenetic location: Xq13.1.
Variant type: single nucleotide variant.
Coding change: c.1571T>C on transcript NM_032803.6 (MANE Select); coding-DNA position 1571, T replaced by C.
Protein change: p.Ile524Thr; replaces isoleucine 524 with threonine.
Molecular consequence: missense variant.
Genome position (GRCh38, 1-based): chrX:70,926,576, A>G on the plus strand (T>C on the coding strand, the complement: SLC7A3 is on the minus strand). VCF-style: chrX-70926576-A-G. GRCh37 (hg19) VCF-style: chrX-70146426-A-G.
Other names: c.1571T>C, p.Ile524Thr (NM_001048164.3); short protein forms I524T.
Identifiers: ClinVar variation 2628964 (VCV002628964.1), dbSNP rs766875762, ClinGen allele CA10443059.